The following is an entry in ClinVar:

ClinVar aggregate classification (germline): Benign/Likely benign. Review status: criteria provided, multiple submitters, no conflicts (2 of 4 stars). 4 submissions from 4 submitters: Benign (1); Likely benign (2). 1 of the submissions does not count toward it. Last evaluated 2025-08-07.

Conditions:
RAD50-related disorder. Also called: RAD50-related condition.
Hereditary cancer-predisposing syndrome. Also called: Hereditary neoplastic syndrome; Neoplastic Syndromes, Hereditary; Tumor predisposition; Hereditary Cancer Syndrome. Identifiers: Orphanet 140162, MedGen C0027672, MeSH D009386, MONDO:0015356.

Allele frequency attached by ClinVar (database versions not stated): ExAC 0.00001; gnomAD exomes 0.00002 and 0.00004; TOPMed 0.00002; gnomAD 0.00005 and 0.00006; ESP Exome Variant Server 0.00008.
gnomAD v4.1: 68 of 1,613,828 alleles (0.0042%); highest among the groups gnomAD compares: Non-Finnish European, 0.0056%; no homozygotes.

Submissions (4):

Labcorp Genetics (formerly Invitae), Labcorp
Classification: Likely benign for Hereditary cancer-predisposing syndrome. Last evaluated: 2025-08-07. Review status: criteria provided, single submitter. Criteria: Invitae Variant Classification Sherloc (09022015). Collection method: clinical testing. Allele origin: germline.

Quest Diagnostics Nichols Institute San Juan Capistrano
Classification: Benign. Last evaluated: 2025-06-19. Review status: criteria provided, single submitter. Criteria: Quest Diagnostics criteria. Collection method: clinical testing. Allele origin: unknown.

Ambry Genetics
Classification: Likely benign for Hereditary cancer-predisposing syndrome. Last evaluated: 2014-11-05. Review status: criteria provided, single submitter. Criteria: Ambry Variant Classification Scheme 2023. Collection method: clinical testing. Allele origin: germline.

PreventionGenetics, part of Exact Sciences
Classification: Likely benign for RAD50-related condition. Last evaluated: 2019-07-08. Review status: no assertion criteria provided. Collection method: clinical testing. Allele origin: germline. Not counted in ClinVar's aggregate classification.
Comment: This variant is classified as likely benign based on ACMG/AMP sequence variant interpretation guidelines (Richards et al. 2015 PMID: 25741868, with internal and published modifications).

NM_005732.4(RAD50):c.411C>T (p.Asp137=)

Gene: RAD50 (RAD50 double strand break repair protein; plus strand). Cytogenetic location: 5q31.1.
Variant type: single nucleotide variant.
Coding change: c.411C>T on transcript NM_005732.4 (MANE Select); coding-DNA position 411, C replaced by T.
Protein change: p.Asp137=; no amino-acid change (aspartic acid 137 retained).
Molecular consequence: synonymous variant.
Genome position (GRCh38, 1-based): chr5:132,579,362, C>T. VCF-style: chr5-132579362-C-T. GRCh37 (hg19) VCF-style: chr5-131915054-C-T.
Identifiers: ClinVar variation 184885 (VCV000184885.18), dbSNP rs376648463, ClinGen allele CA190378.
Genomic context (GRCh38, chr5:132,579,362, plus strand): 5'-TTTCATTTTCTGTAGGCATGGTGAAAAGGTCAGTCTGAGCTCTAAGTGTGCAGAAATTGA[C>T]CGAGAAATGATCAGTTCTCTTGGGGTTTCCAAGGCTGTGCTAAATAATGTCATTTTCTGT-3'
Protein context (NP_005723.2, residues 127-147): VSLSSKCAEI[Asp137=]REMISSLGVS